The following is an entry in ClinVar:

NM_000138.5(FBN1):c.4081T>C (p.Cys1361Arg)

Gene: FBN1 (fibrillin 1; minus strand). Cytogenetic location: 15q21.1.
Variant type: single nucleotide variant.
Coding change: c.4081T>C on transcript NM_000138.5 (MANE Select); coding-DNA position 4081, T replaced by C.
Protein change: p.Cys1361Arg; replaces cysteine 1361 with arginine.
Molecular consequence: missense variant.
Genome position (GRCh38, 1-based): chr15:48,474,534, A>G on the plus strand (T>C on the coding strand, the complement: FBN1 is on the minus strand). VCF-style: chr15-48474534-A-G. GRCh37 (hg19) VCF-style: chr15-48766731-A-G.
Other names: NM_000138.5(FBN1):c.4081T>C; p.Cys1361Arg; short protein forms C1361R.
Identifiers: ClinVar variation 626882 (VCV000626882.25), dbSNP rs1566906506, ClinGen allele CA392320410.

ClinVar aggregate classification (germline): Likely pathogenic. Review status: reviewed by expert panel (3 of 4 stars). 4 submissions from 4 submitters: Likely pathogenic (1). 3 of the submissions do not count toward it. Last evaluated 2023-12-29.

Conditions:
Marfan syndrome (MFS). Also called: FBN1-Related Marfan Syndrome; Marfan syndrome type 1; Marfan's syndrome; Marfan syndrome, classic; MARFAN SYNDROME, TYPE I. Identifiers: Orphanet 284963, Orphanet 558, MedGen C0024796, MONDO:0007947, OMIM 154700.
Familial thoracic aortic aneurysm and aortic dissection (TAAD). Also called: Thoracic aortic aneurysms and dissections. Identifiers: Orphanet 91387, MedGen C4707243, MONDO:0019625.

Submissions (4):

ClinGen FBN1 Variant Curation Expert Panel, ClinGen
Classification: Likely pathogenic for Marfan syndrome. Last evaluated: 2023-12-29. Review status: reviewed by expert panel. Criteria: Assertion Criteria VCEP FBN1 Version 1. Collection method: curation. Allele origin: germline. Inheritance: Autosomal dominant inheritance.
Comment: NM_000138.5 c.4081T>C is a missense variant in FBN1 predicted to cause a substitution of a cysteine by arginine at amino acid 1361 (p.Cys1361Arg). This variant has been identified in at least two individuals with clinical diagnoses of Marfan syndrome and in an individual with a clinical suspicion of Marfan syndrome (PP4, PS4_supporting; PMID: 35058154; CHEO internal data). It is absent from gnomAD (PM2_supporting). This variant affects a cysteine residue in a calcium-binding EGF-like domain; cysteine residues are involved in the formation of disulfide bridges which are essential for the protein structure (PM1_strong). Computational prediction tools and conservation analysis support that this variant is likely to impact the protein (PP3; REVEL = 0.920). The constraint z-score for missense variants affecting FBN1 is 5.06 (PP2). In summary, this variant meets criteria to be classified as likely pathogenic for Marfan syndrome based on the ACMG/AMP criteria applied, as specified by the ClinGen FBN1 VCEP: PM1_strong, PS4_supporting, PP2, PP3, PP4, PM2_supporting.

Labcorp Genetics (formerly Invitae), Labcorp
Classification: Likely pathogenic for Marfan syndrome; Familial thoracic aortic aneurysm and aortic dissection. Last evaluated: 2023-02-13. Review status: criteria provided, single submitter. Criteria: Invitae Variant Classification Sherloc (09022015). Collection method: clinical testing. Allele origin: germline. Not counted in ClinVar's aggregate classification.
Comment: This variant is not present in population databases (gnomAD no frequency). This missense change has been observed in individual(s) with Marfan syndrome (Invitae). ClinVar contains an entry for this variant (Variation ID: 626882). Advanced modeling of protein sequence and biophysical properties (such as structural, functional, and spatial information, amino acid conservation, physicochemical variation, residue mobility, and thermodynamic stability) performed at Invitae indicates that this missense variant is expected to disrupt FBN1 protein function. This variant affects a cysteine residue in the EGF-like, TGFBP or hybrid motif domains of FBN1. Cysteine residues are believed to be involved in intramolecular disulfide bridges and have been shown to be important for FBN1 protein structure (PMID: 16905551, 19349279). In addition, missense substitutions affecting cysteine residues within these domains are significantly overrepresented among patients with Marfan syndrome (PMID: 16571647, 17701892). This variant disrupts the p.Cys1361 amino acid residue in FBN1. Other variant(s) that disrupt this residue have been observed in individuals with FBN1-related conditions (PMID: 10486319; Invitae), which suggests that this may be a clinically significant amino acid residue. In summary, the currently available evidence indicates that the variant is pathogenic, but additional data are needed to prove that conclusively. Therefore, this variant has been classified as Likely Pathogenic. This sequence change replaces cysteine, which is neutral and slightly polar, with arginine, which is basic and polar, at codon 1361 of the FBN1 protein (p.Cys1361Arg).

CHEO Genetics Diagnostic Laboratory, Children's Hospital of Eastern Ontario
Classification: Likely pathogenic for Familial thoracic aortic aneurysm and aortic dissection. Last evaluated: 2023-02-08. Review status: criteria provided, single submitter. Criteria: ACMG Guidelines, 2015. Collection method: clinical testing. Allele origin: germline. Not counted in ClinVar's aggregate classification.

Centre of Medical Genetics, University of Antwerp
Classification: Pathogenic for Marfan syndrome. Last evaluated: 2021-03-01. Review status: criteria provided, single submitter. Criteria: Submitter's publication. Collection method: research. Allele origin: unknown. Affected: yes. Observed: 2 variant alleles. Not counted in ClinVar's aggregate classification.
Comment: PM2, PVS2, PP4

Literature cited by the submitters: PubMed 16905551 (cited by Labcorp Genetics (formerly Invitae), Labcorp); PubMed 19349279 (cited by Labcorp Genetics (formerly Invitae), Labcorp); PubMed 16571647 (cited by Labcorp Genetics (formerly Invitae), Labcorp); PubMed 17701892 (cited by Labcorp Genetics (formerly Invitae), Labcorp); PubMed 10486319 (cited by Labcorp Genetics (formerly Invitae), Labcorp).